The following is an entry in ClinVar:

ClinVar aggregate classification (germline): Uncertain significance. Review status: criteria provided, multiple submitters, no conflicts (2 of 4 stars). 3 submissions from 3 submitters: Uncertain significance (3). Last evaluated 2024-06-25.

Allele frequency attached by ClinVar (database versions not stated): gnomAD exomes 0.00003 and below 0.00001; TOPMed 0.00002.
gnomAD v4.1: 42 of 1,613,790 alleles (0.0026%); highest among the groups gnomAD compares: Non-Finnish European, 0.0033%; no homozygotes.

Submissions (3):

GeneDx
Classification: Uncertain significance. Last evaluated: 2024-06-25. Review status: criteria provided, single submitter. Criteria: GeneDx Variant Classification Process June 2021. Collection method: clinical testing. Allele origin: germline. Affected: yes.
Comment: In silico analysis supports that this missense variant has a deleterious effect on protein structure/function; Not observed at significant frequency in large population cohorts (gnomAD); Has not been previously published as pathogenic or benign to our knowledge

Blueprint Genetics
Classification: Uncertain significance. Last evaluated: 2024-04-22. Review status: criteria provided, single submitter. Criteria: ACMG Guidelines, 2015. Collection method: clinical testing. Allele origin: germline.

Labcorp Genetics (formerly Invitae), Labcorp
Classification: Uncertain significance. Last evaluated: 2023-04-29. Review status: criteria provided, single submitter. Criteria: Invitae Variant Classification Sherloc (09022015). Collection method: clinical testing. Allele origin: germline.
Comment: An algorithm developed to predict the effect of missense changes on protein structure and function (PolyPhen-2) suggests that this variant is likely to be disruptive. ClinVar contains an entry for this variant (Variation ID: 1043911). This missense change has been observed in individuals with clinical features of retinitis pigmentosa (Invitae). This variant is present in population databases (no rsID available, gnomAD 0.0009%). This sequence change replaces tyrosine, which is neutral and polar, with cysteine, which is neutral and slightly polar, at codon 190 of the AGBL5 protein (p.Tyr190Cys). In summary, the available evidence is currently insufficient to determine the role of this variant in disease. Therefore, it has been classified as a Variant of Uncertain Significance.

NM_021831.6(AGBL5):c.569A>G (p.Tyr190Cys)

Gene: AGBL5 (AGBL carboxypeptidase 5; plus strand). Cytogenetic location: 2p23.3.
Variant type: single nucleotide variant.
Coding change: c.569A>G on transcript NM_021831.6 (MANE Select); coding-DNA position 569, A replaced by G.
Protein change: p.Tyr190Cys; replaces tyrosine 190 with cysteine.
Molecular consequence: missense variant. On other transcripts: non-coding transcript variant (2).
Genome position (GRCh38, 1-based): chr2:27,054,647, A>G. VCF-style: chr2-27054647-A-G. GRCh37 (hg19) VCF-style: chr2-27277515-A-G.
Other names: c.569A>G (NM_021831.5); c.569A>G, p.Tyr190Cys (NM_001035507.3); short protein forms Y190C.
Identifiers: ClinVar variation 1043911 (VCV001043911.12), dbSNP rs1165745662, ClinGen allele CA346172895.
Genomic context (GRCh38, chr2:27,054,647, plus strand): 5'-GACTTTAGGGACTTCTCCTGGCTTAATTTTTTTTTCCCTGTAGCCCCCTGGATACCATCT[A>G]TTACCATCGGGAGCTCCTTTGCTATTCTCTGGATGGACTTCGTGTAGATCTGCTGACGAT-3'
Protein context (NP_068603.4, residues 180-200): PTHSSPLDTI[Tyr190Cys]YHRELLCYSL